The following is an entry in ClinVar:

ClinVar aggregate classification (germline): Uncertain significance (1 of 4 stars; one submission).

Conditions:
Tuberous sclerosis 1 (TSC1). Identifiers: Orphanet 805, MedGen C1854465, MONDO:0008612, OMIM 191100.

Submission:

Labcorp Genetics (formerly Invitae), Labcorp
Classification: Uncertain significance for Tuberous sclerosis 1. Last evaluated: 2019-12-04. Review status: criteria provided, single submitter. Criteria: Invitae Variant Classification Sherloc (09022015). Collection method: clinical testing. Allele origin: germline.
Comment: This variant results in a copy number gain of the genomic region encompassing the full coding sequence of the TSC1 gene. The boundaries of this event are unknown as they extend beyond the assayed region for this gene and therefore may encompass additional genes. As the precise location of this event is unknown, it may be in tandem or it may be located elsewhere in the genome. This variant has not been reported in the literature in individuals with TSC1-related disease. In summary, the available evidence is currently insufficient to determine the role of this variant in disease. Therefore, it has been classified as a Variant of Uncertain Significance.

NC_000009.11:g.(?_135771602)_(136769889_?)dup

Genes: GBGT1 (globoside alpha-1,3-N-acetylgalactosaminyltransferase 1 (FORS blood group); minus strand), ABO (ABO, alpha 1-3-N-acetylgalactosaminyltransferase and alpha 1-3-galactosyltransferase; minus strand), ADAMTS13 (ADAM metallopeptidase with thrombospondin type 1 motif 13; plus strand), ADAMTSL2 (ADAMTS like 2; plus strand), CACFD1 (calcium channel flower domain containing 1; plus strand) and 20 more. Cytogenetic location: 9q34.13-34.2.
Variant type: Duplication.
Identifiers: ClinVar variation 832997 (VCV000832997.1).